The following is an entry in ClinVar:

NM_058222.3(TECTB):c.967T>C (p.Leu323=)

Gene: TECTB (tectorin beta; plus strand). Cytogenetic location: 10q25.2.
Variant type: single nucleotide variant.
Coding change: c.967T>C on transcript NM_058222.3 (MANE Select); coding-DNA position 967, T replaced by C.
Protein change: p.Leu323=; no amino-acid change (leucine 323 retained).
Molecular consequence: synonymous variant.
Genome position (GRCh38, 1-based): chr10:112,303,289, T>C. VCF-style: chr10-112303289-T-C. GRCh37 (hg19) VCF-style: chr10-114063047-T-C.
Identifiers: ClinVar variation 3045814 (VCV003045814.2), dbSNP rs140440693, ClinGen allele CA5691283.

ClinVar aggregate classification (germline): Likely benign (0 of 4 stars; one submission).

Conditions:
TECTB-related disorder. Also called: TECTB-related condition.

Allele frequency attached by ClinVar (database versions not stated): gnomAD exomes 0.00014; ExAC 0.00041; gnomAD 0.00118; 1000 Genomes Project 0.00120; TOPMed 0.00127; ESP Exome Variant Server 0.00131; 1000 Genomes Project 30x 0.00141.

Submission:

PreventionGenetics, part of Exact Sciences
Classification: Likely benign for TECTB-related condition. Last evaluated: 2019-12-10. Review status: no assertion criteria provided. Collection method: clinical testing. Allele origin: germline.
Comment: This variant is classified as likely benign based on ACMG/AMP sequence variant interpretation guidelines (Richards et al. 2015 PMID: 25741868, with internal and published modifications).